The following is an entry in ClinVar:

ClinVar aggregate classification (germline): Conflicting classifications of pathogenicity. Review status: criteria provided, conflicting classifications (1 of 4 stars). 3 submissions from 3 submitters: Uncertain significance (2); Likely benign (1). Last evaluated 2026-06-29.

Conditions:
Basal cell carcinoma, susceptibility to, 1. Also called: BCC1. Identifiers: MedGen C2751544, MONDO:0011556, OMIM 605462.
Basal cell nevus syndrome 1 (BCNS1). Also called: GORLIN-GOLTZ SYNDROME; MULTIPLE BASAL CELL NEVI, ODONTOGENIC KERATOCYSTS, AND SKELETAL ANOMALIES. Identifiers: MedGen CN376810, MONDO:0958174, OMIM 109400.
Holoprosencephaly 7 (HPE7). Identifiers: Orphanet 2162, MedGen C1835820, MONDO:0012562, OMIM 610828.
Gorlin syndrome. Also called: Nevoid Basal Cell Carcinoma Syndrome; Basal cell nevus syndrome. Identifiers: Orphanet 377, MedGen C0004779, MONDO:0007187.
Hereditary cancer-predisposing syndrome. Also called: Hereditary Cancer Syndrome; Tumor predisposition; Neoplastic Syndromes, Hereditary; Hereditary neoplastic syndrome. Identifiers: Orphanet 140162, MedGen C0027672, MeSH D009386, MONDO:0015356.

Submissions (3):

Ambry Genetics
Classification: Likely benign for Hereditary cancer-predisposing syndrome. Last evaluated: 2026-06-29. Review status: criteria provided, single submitter. Criteria: Ambry Variant Classification Scheme 2023. Collection method: clinical testing. Allele origin: germline.

Labcorp Genetics (formerly Invitae), Labcorp
Classification: Uncertain significance for Gorlin syndrome. Last evaluated: 2025-05-27. Review status: criteria provided, single submitter. Criteria: Invitae Variant Classification Sherloc (09022015). Collection method: clinical testing. Allele origin: germline.
Comment: This sequence change replaces asparagine, which is neutral and polar, with lysine, which is basic and polar, at codon 1188 of the PTCH1 protein (p.Asn1188Lys). This variant is not present in population databases (gnomAD no frequency). This variant has not been reported in the literature in individuals affected with PTCH1-related conditions. ClinVar contains an entry for this variant (Variation ID: 1442266). Invitae Evidence Modeling of protein sequence and biophysical properties (such as structural, functional, and spatial information, amino acid conservation, physicochemical variation, residue mobility, and thermodynamic stability) indicates that this missense variant is not expected to disrupt PTCH1 protein function with a negative predictive value of 95%. In summary, the available evidence is currently insufficient to determine the role of this variant in disease. Therefore, it has been classified as a Variant of Uncertain Significance.

Fulgent Genetics
Classification: Uncertain significance for Basal cell nevus syndrome 1; Basal cell carcinoma, susceptibility to, 1; Holoprosencephaly 7. Last evaluated: 2024-03-12. Review status: criteria provided, single submitter. Criteria: ACMG Guidelines, 2015. Collection method: clinical testing. Allele origin: germline.

NM_000264.5(PTCH1):c.3564C>A (p.Asn1188Lys)

Gene: PTCH1 (patched 1; minus strand). Cytogenetic location: 9q22.32.
Variant type: single nucleotide variant.
Coding change: c.3564C>A on transcript NM_000264.5 (MANE Select); coding-DNA position 3564, C replaced by A.
Protein change: p.Asn1188Lys; replaces asparagine 1188 with lysine.
Molecular consequence: missense variant. On other transcripts: non-coding transcript variant (1).
Genome position (GRCh38, 1-based): chr9:95,449,309, G>T on the plus strand (C>A on the coding strand, the complement: PTCH1 is on the minus strand). VCF-style: chr9-95449309-G-T. GRCh37 (hg19) VCF-style: chr9-98211591-G-T.
Other names: c.3366C>A, p.Asn1122Lys (NM_001083602.3); c.3561C>A, p.Asn1187Lys (NM_001083603.3); c.3111C>A, p.Asn1037Lys (NM_001083604.3, NM_001083605.3, NM_001083606.3 and 1 more transcripts); c.3408C>A, p.Asn1136Lys (NM_001354918.2); short protein forms N1187K, N1037K, N1122K, N1188K, N1136K.
Identifiers: ClinVar variation 1442266 (VCV001442266.10), dbSNP rs864622621, ClinGen allele CA374111388.